The following is an entry in ClinVar:

ClinVar aggregate classification (germline): Uncertain significance (1 of 4 stars; one submission).

gnomAD v4.1: 2 of 1,613,844 alleles (0.00012%); highest among the groups gnomAD compares: South Asian, 0.0011%; no homozygotes.

Submission:

GeneDx
Classification: Uncertain significance. Last evaluated: 2025-09-24. Review status: criteria provided, single submitter. Criteria: GeneDx Variant Classification Process June 2021. Collection method: clinical testing. Allele origin: germline. Affected: yes.
Comment: Not observed at significant frequency in large population cohorts (gnomAD); In silico analysis supports that this missense variant has a deleterious effect on protein structure/function; Has not been previously published as pathogenic or benign to our knowledge

NM_032217.5(ANKRD17):c.1498G>A (p.Gly500Ser)

Gene: ANKRD17 (ankyrin repeat domain 17; minus strand). Cytogenetic location: 4q13.3.
Variant type: single nucleotide variant.
Coding change: c.1498G>A on transcript NM_032217.5 (MANE Select); coding-DNA position 1498, G replaced by A.
Protein change: p.Gly500Ser; replaces glycine 500 with serine.
Molecular consequence: missense variant.
Genome position (GRCh38, 1-based): chr4:73,148,882, C>T on the plus strand (G>A on the coding strand, the complement: ANKRD17 is on the minus strand). VCF-style: chr4-73148882-C-T. GRCh37 (hg19) VCF-style: chr4-74014599-C-T.
Other names: c.1159G>A, p.Gly387Ser (NM_001286771.3); c.1498G>A, p.Gly500Ser (NM_015574.2, NM_198889.3); short protein forms G387S, G500S.
Identifiers: ClinVar variation 3370574 (VCV003370574.2).
Genomic context (GRCh38, chr4:73,148,882, plus strand): 5'-GAAGTAATGCCACCATTTCTTCATGTCCTTCTCGAGCTGCTTCCATCAATGGTGTATAAC[C>T]TTCATCATTGACCTCTTCCAGGCTAGCTCCTCTTTCAATAAGTAAAGCCGCAAGTTCCAC-3'
Protein context (NP_115593.3, residues 490-510): GASLEEVNDE[Gly500Ser]YTPLMEAARE